The following is an entry in ClinVar:

NM_004036.5(ADCY3):c.2213C>T (p.Thr738Met)

Gene: ADCY3 (adenylate cyclase 3; minus strand). Cytogenetic location: 2p23.3.
Variant type: single nucleotide variant.
Coding change: c.2213C>T on transcript NM_004036.5 (MANE Select); coding-DNA position 2213, C replaced by T.
Protein change: p.Thr738Met; replaces threonine 738 with methionine.
Molecular consequence: missense variant. On other transcripts: intron variant (2).
Genome position (GRCh38, 1-based): chr2:24,828,121, G>A on the plus strand (C>T on the coding strand, the complement: ADCY3 is on the minus strand). VCF-style: chr2-24828121-G-A. GRCh37 (hg19) VCF-style: chr2-25050990-G-A.
Other names: c.2213C>T, p.Thr738Met (NM_001320613.2, NM_001377132.1); c.2279C>T, p.Thr760Met (NM_001377128.1); c.1490C>T, p.Thr497Met (NM_001377131.1); c.2172+2588C>T (NM_001377130.1); c.2173-98C>T (NM_001377129.1); short protein forms T497M, T738M, T760M.
Identifiers: ClinVar variation 2634073 (VCV002634073.1), dbSNP rs917820514, ClinGen allele CA43685664.

ClinVar aggregate classification (germline): Uncertain significance (1 of 4 stars; one submission).

Conditions:
ADCY3-related disorder. Also called: ADCY3-related condition.

Allele frequency attached by ClinVar (database versions not stated): gnomAD exomes 0.00001; TOPMed 0.00002; gnomAD 0.00003.
gnomAD v4.1: 11 of 1,613,958 alleles (0.00068%); highest among the groups gnomAD compares: African/African-American, 0.0027%; no homozygotes.

Submission:

PreventionGenetics, part of Exact Sciences
Classification: Uncertain significance for ADCY3-related condition. Last evaluated: 2023-08-16. Review status: criteria provided, single submitter. Criteria: ACMG Guidelines, 2015. Collection method: clinical testing. Allele origin: germline.
Comment: The ADCY3 c.2213C>T variant is predicted to result in the amino acid substitution p.Thr738Met. To our knowledge, this variant has not been reported in the literature. This variant is reported in 0.0040% of alleles in individuals of African descent in gnomAD. At this time, the clinical significance of this variant is uncertain due to the absence of conclusive functional and genetic evidence.